The following is an entry in ClinVar:

NM_012469.4(PRPF6):c.2596C>T (p.Arg866Cys)

Gene: PRPF6 (pre-mRNA processing factor 6; plus strand). Cytogenetic location: 20q13.33.
Variant type: single nucleotide variant.
Coding change: c.2596C>T on transcript NM_012469.4 (MANE Select); coding-DNA position 2596, C replaced by T.
Protein change: p.Arg866Cys; replaces arginine 866 with cysteine.
Molecular consequence: missense variant.
Genome position (GRCh38, 1-based): chr20:64,031,967, C>T. VCF-style: chr20-64031967-C-T. GRCh37 (hg19) VCF-style: chr20-62663320-C-T.
Other names: short protein forms R866C.
Identifiers: ClinVar variation 1478995 (VCV001478995.6), dbSNP rs1305895093, ClinGen allele CA409746209.

ClinVar aggregate classification (germline): Uncertain significance (1 of 4 stars; one submission).

Allele frequency attached by ClinVar (database versions not stated): gnomAD exomes below 0.00001; gnomAD 0.00001; TOPMed below 0.00001.
gnomAD v4.1: 2 of 1,614,014 alleles (0.00012%); highest among the groups gnomAD compares: East Asian, 0.0022%; no homozygotes.

Submission:

Labcorp Genetics (formerly Invitae), Labcorp
Classification: Uncertain significance. Last evaluated: 2025-12-13. Review status: criteria provided, single submitter. Criteria: Invitae Variant Classification Sherloc (09022015). Collection method: clinical testing. Allele origin: germline.
Comment: This sequence change replaces arginine, which is basic and polar, with cysteine, which is neutral and slightly polar, at codon 866 of the PRPF6 protein (p.Arg866Cys). This variant is not present in population databases (gnomAD no frequency). This variant has not been reported in the literature in individuals affected with PRPF6-related conditions. ClinVar contains an entry for this variant (Variation ID: 1478995). Invitae Evidence Modeling of protein sequence and biophysical properties (such as structural, functional, and spatial information, amino acid conservation, physicochemical variation, residue mobility, and thermodynamic stability) indicates that this missense variant is expected to disrupt PRPF6 protein function with a positive predictive value of 80%. In summary, the available evidence is currently insufficient to determine the role of this variant in disease. Therefore, it has been classified as a Variant of Uncertain Significance.